The following is an entry in ClinVar:

NM_021978.4(ST14):c.468G>A (p.Trp156Ter)

Gene: ST14 (ST14 transmembrane serine protease matriptase; plus strand). Cytogenetic location: 11q24.3.
Variant type: single nucleotide variant.
Coding change: c.468G>A on transcript NM_021978.4 (MANE Select); coding-DNA position 468, G replaced by A.
Protein change: p.Trp156Ter; replaces tryptophan 156 with a stop codon.
Molecular consequence: nonsense.
Genome position (GRCh38, 1-based): chr11:130,189,766, G>A. VCF-style: chr11-130189766-G-A. GRCh37 (hg19) VCF-style: chr11-130059661-G-A.
Other names: short protein forms W156*.
Identifiers: ClinVar variation 4715929 (VCV004715929.1).
Genomic context (GRCh38, chr11:130,189,766, plus strand): 5'-GAGCTCCGCCTCAGGCTCCCGCTCTCTCCCCAGCGAGGGCAGCGTCATCGCCTACTACTG[G>A]TCTGAGTTCAGCATCCCGCAGCACCTGGTGGAGGAGGCCGAGCGCGTCATGGCCGAGGAG-3'

ClinVar aggregate classification (germline): Pathogenic (1 of 4 stars; one submission).

Submission:

Labcorp Genetics (formerly Invitae), Labcorp
Classification: Pathogenic. Last evaluated: 2025-08-29. Review status: criteria provided, single submitter. Criteria: Invitae Variant Classification Sherloc (09022015). Collection method: clinical testing. Allele origin: germline.
Comment: This sequence change creates a premature translational stop signal (p.Trp156*) in the ST14 gene. It is expected to result in an absent or disrupted protein product. Loss-of-function variants in ST14 are known to be pathogenic (PMID: 18843291, 25308318). This variant is not present in population databases (gnomAD no frequency). This variant has not been reported in the literature in individuals affected with ST14-related conditions. For these reasons, this variant has been classified as Pathogenic.

Literature cited by the submitters: PubMed 18843291; PubMed 25308318.